The following is an entry in ClinVar:

NM_000277.3(PAH):c.75del (p.Ile25fs)

Gene: PAH (phenylalanine hydroxylase; minus strand). Cytogenetic location: 12q23.2.
Variant type: Deletion.
Coding change: c.75del on transcript NM_000277.3 (MANE Select); coding-DNA position 75, one base deleted (T; older notation c.75delT).
Protein change: p.Ile25fs; shifts the reading frame from isoleucine 25.
Molecular consequence: frameshift variant.
Genome position (GRCh38, 1-based): chr12:102,912,884, A deleted on the plus strand (T on the coding strand, the reverse complement: PAH is on the minus strand); the first of 2 consecutive A bases (chr12:102,912,884-102,912,885); deleting either gives the same sequence. VCF-style (leftmost placement, unchanged base first): chr12-102912883-CA-C. GRCh37 (hg19) VCF-style: chr12-103306661-CA-C.
Other names: NM_001354304.2:c.75del; c.75del, p.Ile25fs (NM_001354304.2); short protein forms I25fs.
Identifiers: ClinVar variation 2682164 (VCV002682164.1), dbSNP rs2499542607, ClinGen allele CA16020726.

ClinVar aggregate classification (germline): Pathogenic (3 of 4 stars; one submission).

Conditions:
Phenylketonuria (PKU). Also called: Phenylketonurias; FOLLING DISEASE; OLIGOPHRENIA PHENYLPYRUVICA; Phenylketonuria (PKU). Identifiers: Orphanet 716, MedGen C0031485, MONDO:0009861, OMIM 261600. Disease mechanism: loss of function.

Submission:

ClinGen PAH Variant Curation Expert Panel
Classification: Pathogenic for Phenylketonuria. Last evaluated: 2023-10-13. Review status: reviewed by expert panel. Criteria: ClinGen PAH ACMG Specifications v1. Collection method: curation. Allele origin: germline. Inheritance: Autosomal recessive inheritance.
Comment: The c.75del (p.Ile25MetfsTer13) variant in PAH results in a frameshift in exon 2, with NMD predicted. It is absent in gnomAD. In summary, this variant meets criteria to be classified as pathogenic for PAH. PAH-specific ACMG/AMP criteria applied: PVS1, PP4, PM2_supporting, PM3_supporting.